The following is an entry in ClinVar:

NM_002470.4(MYH3):c.5345G>A (p.Arg1782Gln)

Gene: MYH3 (myosin heavy chain 3; minus strand). Cytogenetic location: 17p13.1.
Variant type: single nucleotide variant.
Coding change: c.5345G>A on transcript NM_002470.4 (MANE Select); coding-DNA position 5345, G replaced by A.
Protein change: p.Arg1782Gln; replaces arginine 1782 with glutamine.
Molecular consequence: missense variant.
Genome position (GRCh38, 1-based): chr17:10,630,400, C>T on the plus strand (G>A on the coding strand, the complement: MYH3 is on the minus strand). VCF-style: chr17-10630400-C-T. GRCh37 (hg19) VCF-style: chr17-10533717-C-T.
Other names: short protein forms R1782Q.
Identifiers: ClinVar variation 2061812 (VCV002061812.4), dbSNP rs529963438, ClinGen allele CA8391958.

ClinVar aggregate classification (germline): Uncertain significance. Review status: criteria provided, single submitter (1 of 4 stars). 2 submissions from 2 submitters: Uncertain significance (1). 1 of the submissions does not count toward it. Last evaluated 2025-11-18.

Conditions:
Meniere disease. Also called: Ménière's disease. Identifiers: MedGen C0025281, MONDO:0007972, OMIM 156000.

Allele frequency attached by ClinVar (database versions not stated): gnomAD exomes 0.00001; ExAC 0.00002; gnomAD 0.00003; TOPMed 0.00005; 1000 Genomes Project 30x 0.00016; 1000 Genomes Project 0.00020.
gnomAD v4.1: 16 of 1,614,182 alleles (0.00099%); highest among the groups gnomAD compares: Admixed American, 0.0067%; no homozygotes.

Submissions (2):

Labcorp Genetics (formerly Invitae), Labcorp
Classification: Uncertain significance. Last evaluated: 2025-11-18. Review status: criteria provided, single submitter. Criteria: Invitae Variant Classification Sherloc (09022015). Collection method: clinical testing. Allele origin: germline.
Comment: This sequence change replaces arginine, which is basic and polar, with glutamine, which is neutral and polar, at codon 1782 of the MYH3 protein (p.Arg1782Gln). This variant is present in population databases (rs529963438, gnomAD 0.01%). This variant has not been reported in the literature in individuals affected with MYH3-related conditions. ClinVar contains an entry for this variant (Variation ID: 2061812). Invitae Evidence Modeling of protein sequence and biophysical properties (such as structural, functional, and spatial information, amino acid conservation, physicochemical variation, residue mobility, and thermodynamic stability) indicates that this missense variant is not expected to disrupt MYH3 protein function with a negative predictive value of 95%. In summary, the available evidence is currently insufficient to determine the role of this variant in disease. Therefore, it has been classified as a Variant of Uncertain Significance.

Center for Computational Biology & Bioinformatics, University of California, San Diego
Classification: Uncertain significance for Meniere disease. Last evaluated: 2024-06-03. Review status: no assertion criteria provided. Collection method: research. Allele origin: germline. Affected: yes. Not counted in ClinVar's aggregate classification.